The following is an entry in ClinVar:

ClinVar aggregate classification (germline): Likely benign. Review status: criteria provided, multiple submitters, no conflicts (2 of 4 stars). 2 submissions from 2 submitters: Likely benign (2). Last evaluated 2025-05-09.

Conditions:
RPGRIP1L-related disorder. Also called: RPGRIP1L-related condition; RPGRIP1L-related disorders. Identifiers: MedGen CN239416.
Meckel-Gruber syndrome. Also called: DYSENCEPHALIA SPLANCHNOCYSTICA; Dysencephalia splachnocystica; GRUBER SYNDROME. Identifiers: Orphanet 564, MedGen C0265215, MONDO:0018921.
Joubert syndrome. Also called: Familial aplasia of the vermis; JOUBERT-BOLTSHAUSER SYNDROME. Identifiers: Orphanet 475, MedGen C5979921, MONDO:0018772.

Allele frequency attached by ClinVar (database versions not stated): gnomAD exomes below 0.00001; ExAC 0.00001; gnomAD 0.00001 and 0.00002; TOPMed 0.00003; ESP Exome Variant Server 0.00015.
gnomAD v4.1: 8 of 1,613,936 alleles (0.0005%); highest among the groups gnomAD compares: African/African-American, 0.0013%; no homozygotes.

Submissions (2):

PreventionGenetics, part of Exact Sciences
Classification: Likely benign for RPGRIP1L-related condition. Last evaluated: 2025-05-09. Review status: criteria provided, single submitter. Criteria: ACMG Guidelines, 2015. Collection method: clinical testing. Allele origin: germline.
Comment: This variant is classified as likely benign based on ACMG/AMP sequence variant interpretation guidelines (Richards et al. 2015 PMID: 25741868, with internal and published modifications).

Labcorp Genetics (formerly Invitae), Labcorp
Classification: Likely benign for Joubert syndrome; Meckel-Gruber syndrome. Last evaluated: 2024-11-03. Review status: criteria provided, single submitter. Criteria: Invitae Variant Classification Sherloc (09022015). Collection method: clinical testing. Allele origin: germline.

NM_015272.5(RPGRIP1L):c.1902C>T (p.Thr634=)

Gene: RPGRIP1L (RPGRIP1 like; minus strand). Cytogenetic location: 16q12.2.
Variant type: single nucleotide variant.
Coding change: c.1902C>T on transcript NM_015272.5 (MANE Select); coding-DNA position 1902, C replaced by T.
Protein change: p.Thr634=; no amino-acid change (threonine 634 retained).
Molecular consequence: synonymous variant.
Genome position (GRCh38, 1-based): chr16:53,652,785, G>A on the plus strand (C>T on the coding strand, the complement: RPGRIP1L is on the minus strand). VCF-style: chr16-53652785-G-A. GRCh37 (hg19) VCF-style: chr16-53686697-G-A.
Other names: c.1902C>T, p.Thr634= (NM_001127897.4, NM_001308334.3, NM_001330538.2); c.1902C>T (NM_015272.4).
Identifiers: ClinVar variation 1140542 (VCV001140542.10), dbSNP rs138097384, ClinGen allele CA8057676.